The following is an entry in ClinVar:

ClinVar aggregate classification (germline): Likely benign. Review status: criteria provided, multiple submitters, no conflicts (2 of 4 stars). 3 submissions from 3 submitters: Likely benign (3). Last evaluated 2022-07-12.

Conditions:
Hereditary cancer-predisposing syndrome. Also called: Tumor predisposition; Hereditary Cancer Syndrome; Neoplastic Syndromes, Hereditary; Hereditary neoplastic syndrome. Identifiers: Orphanet 140162, MedGen C0027672, MeSH D009386, MONDO:0015356.

Allele frequency attached by ClinVar (database versions not stated): ExAC 0.00002; gnomAD exomes 0.00004; TOPMed 0.00014; ESP Exome Variant Server 0.00015; 1000 Genomes Project 30x 0.00016; 1000 Genomes Project 0.00020.
gnomAD v4.1: 25 of 1,611,190 alleles (0.0016%); highest among the groups gnomAD compares: African/African-American, 0.028%; no homozygotes.

Submissions (3):

Blueprint Genetics
Classification: Likely benign. Last evaluated: 2022-07-12. Review status: criteria provided, single submitter. Criteria: ACMG Guidelines, 2015. Collection method: clinical testing. Allele origin: germline.

GeneDx
Classification: Likely benign. Last evaluated: 2017-09-25. Review status: criteria provided, single submitter. Criteria: GeneDx Variant Classification (06012015). Collection method: clinical testing. Allele origin: germline. Affected: yes.
Comment: This variant is considered likely benign or benign based on one or more of the following criteria: it is a conservative change, it occurs at a poorly conserved position in the protein, it is predicted to be benign by multiple in silico algorithms, and/or has population frequency not consistent with disease.

Color Diagnostics, LLC DBA Color Health
Classification: Likely benign for Hereditary cancer-predisposing syndrome. Last evaluated: 2015-10-09. Review status: criteria provided, single submitter. Criteria: ACMG Guidelines, 2015. Collection method: clinical testing. Allele origin: germline.

NM_000179.3(MSH6):c.-17C>T

Gene: MSH6 (mutS homolog 6; plus strand). Cytogenetic location: 2p16.3.
Variant type: single nucleotide variant.
Coding change: c.-17C>T on transcript NM_000179.3 (MANE Select); 17 bases upstream of the start codon, C replaced by T.
Molecular consequence: 5 prime UTR variant.
Genome position (GRCh38, 1-based): chr2:47,783,217, C>T. VCF-style: chr2-47783217-C-T. GRCh37 (hg19) VCF-style: chr2-48010356-C-T.
Other names: c.-17C>T (NM_001281492.2); c.-753C>T (NM_001281493.2).
Identifiers: ClinVar variation 491858 (VCV000491858.4), dbSNP rs370816858, ClinGen allele CA068159.